The following is an entry in ClinVar:

ClinVar aggregate classification (germline): Uncertain significance (1 of 4 stars; one submission).

Allele frequency attached by ClinVar (database versions not stated): gnomAD exomes 0.00001; gnomAD 0.00002.
gnomAD v4.1: 7 of 1,586,254 alleles (0.00044%); highest among the groups gnomAD compares: Non-Finnish European, 0.00052%; no homozygotes.

Submission:

Labcorp Genetics (formerly Invitae), Labcorp
Classification: Uncertain significance. Last evaluated: 2025-01-15. Review status: criteria provided, single submitter. Criteria: Invitae Variant Classification Sherloc (09022015). Collection method: clinical testing. Allele origin: germline.
Comment: This sequence change replaces asparagine, which is neutral and polar, with serine, which is neutral and polar, at codon 30 of the NLRP1 protein (p.Asn30Ser). This variant is present in population databases (no rsID available, gnomAD 0.02%). This variant has not been reported in the literature in individuals affected with NLRP1-related conditions. ClinVar contains an entry for this variant (Variation ID: 1434424). An algorithm developed to predict the effect of missense changes on protein structure and function outputs the following: PolyPhen-2: "Benign". The serine amino acid residue is found in multiple mammalian species, which suggests that this missense change does not adversely affect protein function. In summary, the available evidence is currently insufficient to determine the role of this variant in disease. Therefore, it has been classified as a Variant of Uncertain Significance.

NM_033004.4(NLRP1):c.89A>G (p.Asn30Ser)

Genes: NLRP1 (NLR family pyrin domain containing 1; minus strand), LOC126862475 (CDK7 strongly-dependent group 2 enhancer GRCh37_chr17:5487167-5488366; plus strand). Cytogenetic location: 17p13.2.
Variant type: single nucleotide variant.
Coding change: c.89A>G on transcript NM_033004.4 (MANE Select); coding-DNA position 89, A replaced by G.
Protein change: p.Asn30Ser; replaces asparagine 30 with serine.
Molecular consequence: missense variant.
Genome position (GRCh38, 1-based): chr17:5,583,869, T>C on the plus strand (A>G on the coding strand, the complement: NLRP1 is on the minus strand). VCF-style: chr17-5583869-T-C. GRCh37 (hg19) VCF-style: chr17-5487189-T-C.
Other names: c.89A>G, p.Asn30Ser (NM_001033053.3, NM_014922.5, NM_033006.4 and 1 more transcripts); short protein forms N30S.
Identifiers: ClinVar variation 1434424 (VCV001434424.7), dbSNP rs1388671158, ClinGen allele CA397391213.